The following is an entry in ClinVar:

ClinVar aggregate classification (germline): Uncertain significance (1 of 4 stars; one submission).

gnomAD v4.1: 1 of 1,576,742 alleles (0.000063%); highest among the groups gnomAD compares: African/African-American, 0.0014%; no homozygotes.

Submission:

GeneDx
Classification: Uncertain significance. Last evaluated: 2024-10-02. Review status: criteria provided, single submitter. Criteria: GeneDx Variant Classification Process June 2021. Collection method: clinical testing. Allele origin: germline. Affected: yes.
Comment: Not observed at significant frequency in large population cohorts (gnomAD); In silico analysis indicates that this missense variant does not alter protein structure/function; Has not been previously published as pathogenic or benign to our knowledge

NM_001397406.1(FDX2):c.64A>G (p.Thr22Ala)

Genes: FDX2 (ferredoxin 2; minus strand), FDX2-ZGLP1 (FDX2-ZGLP1 readthrough; minus strand). Cytogenetic location: 19p13.2.
Variant type: single nucleotide variant.
Coding change: c.64A>G on transcript NM_001397406.1 (MANE Select); coding-DNA position 64, A replaced by G.
Protein change: p.Thr22Ala; replaces threonine 22 with alanine.
Molecular consequence: missense variant. On other transcripts: non-coding transcript variant (2).
Genome position (GRCh38, 1-based): chr19:10,315,933, T>C on the plus strand (A>G on the coding strand, the complement: FDX2 is on the minus strand). VCF-style: chr19-10315933-T-C. GRCh37 (hg19) VCF-style: chr19-10426609-T-C.
Other names: c.73A>G (NM_001031734.3); short protein forms T22A.
Identifiers: ClinVar variation 3776576 (VCV003776576.1).